The following is an entry in ClinVar:

ClinVar aggregate classification (germline): Conflicting classifications of pathogenicity. Review status: criteria provided, conflicting classifications (1 of 4 stars). 14 submissions from 10 submitters: Uncertain significance (4); Benign (6); Likely benign (4). Last evaluated 2026-08-01.

Conditions:
TTN-related disorder. Also called: TTN-related disorders; TTN-related condition; TTN-related disease.
Cardiovascular phenotype. Identifiers: MedGen CN230736.
Autosomal recessive limb-girdle muscular dystrophy type 2J (LGMDR10). Also called: Limb-girdle muscular dystrophy, type 2J; MUSCULAR DYSTROPHY, LIMB-GIRDLE, AUTOSOMAL RECESSIVE 10. Identifiers: Orphanet 140922, MedGen C1837342, MONDO:0012127, OMIM 608807.
Dilated cardiomyopathy 1G (CMD1G). Identifiers: Orphanet 154, MedGen C1858763, MONDO:0011400, OMIM 604145.
Myopathy, myofibrillar, 9, with early respiratory failure (MFM9). Also called: EDSTROM MYOPATHY; MYOPATHY, PROXIMAL, WITH EARLY RESPIRATORY MUSCLE INVOLVEMENT; Hereditary myopathy with early respiratory failure; Myopathy, distal, with early respiratory failure, autosomal dominant. Identifiers: Orphanet 178464, Orphanet 34521, MedGen C1863599, MONDO:0011362, OMIM 603689.
Early-onset myopathy with fatal cardiomyopathy (CMYO5). Also called: Salih Myopathy; CONGENITAL MYOPATHY 5 WITH CARDIOMYOPATHY. Identifiers: Orphanet 289377, MedGen C2673677, MONDO:0012714, OMIM 611705. Disease mechanism: loss of function.
Tibial muscular dystrophy (TMD). Also called: Udd Distal Myopathy – Tibial Muscular Dystrophy; Tibial muscular dystrophy, tardive; UDD MYOPATHY. Identifiers: Orphanet 609, MedGen C1838244, MONDO:0010870, OMIM 600334.

Allele frequency attached by ClinVar (database versions not stated): ExAC 0.00020; gnomAD exomes 0.00021 and 0.00035; TOPMed 0.00022; gnomAD 0.00023; ESP Exome Variant Server 0.00025.
gnomAD v4.1: 371 of 1,612,232 alleles (0.023%); highest among the groups gnomAD compares: Middle Eastern, 0.033%; 1 homozygote.

Submissions (14):

CeGaT Center for Human Genetics Tuebingen
Classification: Likely benign. Last evaluated: 2026-08-01. Review status: criteria provided, single submitter. Criteria: CeGaT Center For Human Genetics Tuebingen Variant Classification Criteria Version 2. Collection method: clinical testing. Allele origin: germline. Affected: yes. Observed: 26 variant alleles.
Comment: TTN: BP4, BP7

Labcorp Genetics (formerly Invitae), Labcorp
Classification: Benign for Dilated cardiomyopathy 1G; Autosomal recessive limb-girdle muscular dystrophy type 2J. Last evaluated: 2026-01-26. Review status: criteria provided, single submitter. Criteria: Invitae Variant Classification Sherloc (09022015). Collection method: clinical testing. Allele origin: germline.

PreventionGenetics, part of Exact Sciences
Classification: Likely benign for TTN-related condition. Last evaluated: 2025-05-28. Review status: criteria provided, single submitter. Criteria: ACMG Guidelines, 2015. Collection method: clinical testing. Allele origin: germline.
Comment: This variant is classified as likely benign based on ACMG/AMP sequence variant interpretation guidelines (Richards et al. 2015 PMID: 25741868, with internal and published modifications).

Blueprint Genetics
Classification: Likely benign. Last evaluated: 2024-10-01. Review status: criteria provided, single submitter. Criteria: ACMG Guidelines, 2015. Collection method: clinical testing. Allele origin: germline.

Ambry Genetics
Classification: Benign for Cardiovascular phenotype. Last evaluated: 2019-09-23. Review status: criteria provided, single submitter. Criteria: Ambry Variant Classification Scheme 2023. Collection method: clinical testing. Allele origin: germline.

Illumina Laboratory Services, Illumina
Classification: Uncertain significance for Early-onset myopathy with fatal cardiomyopathy. Last evaluated: 2018-01-12. Review status: criteria provided, single submitter. Criteria: ICSL Variant Classification Criteria 13 December 2019. Collection method: clinical testing. Allele origin: germline.

Illumina Laboratory Services, Illumina
Classification: Uncertain significance for Dilated cardiomyopathy 1G. Last evaluated: 2018-01-12. Review status: criteria provided, single submitter. Criteria: ICSL Variant Classification Criteria 13 December 2019. Collection method: clinical testing. Allele origin: germline.

Illumina Laboratory Services, Illumina
Classification: Uncertain significance for Autosomal recessive limb-girdle muscular dystrophy type 2J. Last evaluated: 2018-01-12. Review status: criteria provided, single submitter. Criteria: ICSL Variant Classification Criteria 13 December 2019. Collection method: clinical testing. Allele origin: germline.

Illumina Laboratory Services, Illumina
Classification: Benign for Myopathy, myofibrillar, 9, with early respiratory failure. Last evaluated: 2018-01-12. Review status: criteria provided, single submitter. Criteria: ICSL Variant Classification Criteria 13 December 2019. Collection method: clinical testing. Allele origin: germline.
Comment: This variant was observed in the ICSL laboratory as part of a predisposition screen in an ostensibly healthy population. It had not been previously curated by ICSL or reported in the Human Gene Mutation Database (HGMD: prior to June 1st, 2018), and was therefore a candidate for classification through an automated scoring system. Utilizing variant allele frequency, disease prevalence and penetrance estimates, and inheritance mode, an automated score was calculated to assess if this variant is too frequent to cause the disease. Based on the score and internal cut-off values, a variant classified as benign is not then subjected to further curation. The score for this variant resulted in a classification of benign for this disease.

Illumina Laboratory Services, Illumina
Classification: Benign for Tibial muscular dystrophy. Last evaluated: 2018-01-12. Review status: criteria provided, single submitter. Criteria: ICSL Variant Classification Criteria 13 December 2019. Collection method: clinical testing. Allele origin: germline.
Comment: the same text as in the submission from Illumina Laboratory Services, Illumina above.

Athena Diagnostics
Classification: Benign. Last evaluated: 2017-06-05. Review status: criteria provided, single submitter. Criteria: Athena Diagnostics Criteria. Collection method: clinical testing. Allele origin: germline.

GeneDx
Classification: Benign. Last evaluated: 2015-10-23. Review status: criteria provided, single submitter. Criteria: GeneDx Variant Classification (06012015). Collection method: clinical testing. Allele origin: germline. Affected: yes.
Comment: This variant is considered likely benign or benign based on one or more of the following criteria: it is a conservative change, it occurs at a poorly conserved position in the protein, it is predicted to be benign by multiple in silico algorithms, and/or has population frequency not consistent with disease.

Eurofins Ntd Llc (ga)
Classification: Uncertain significance. Last evaluated: 2015-04-03. Review status: criteria provided, single submitter. Criteria: EGL Classification Definitions 2015. Collection method: clinical testing. Allele origin: germline. Observed: 3 variant alleles, 3 heterozygotes.

Laboratory for Molecular Medicine, Mass General Brigham Personalized Medicine
Classification: Likely benign. Last evaluated: 2012-03-19. Review status: criteria provided, single submitter. Criteria: LMM Criteria. Collection method: clinical testing. Allele origin: germline. Observed: 1 variant allele.
Comment: Asn14658Asn in exon 221 of TTN: This variant is not expected to have clinical si gnificance because it does not alter an amino acid residue and is not located wi thin the splice consensus sequence. It has been identified in 2/6628 European Am erican chromosomes from a broad population by the NHLBI Exome Sequencing Project.

NM_001267550.2(TTN):c.51678C>T (p.Asn17226=)

Genes: TTN (titin; minus strand), TTN-AS1 (TTN antisense RNA 1; plus strand). Cytogenetic location: 2q31.2.
Variant type: single nucleotide variant.
Coding change: c.51678C>T on transcript NM_001267550.2 (MANE Select); coding-DNA position 51678, C replaced by T.
Protein change: p.Asn17226=; no amino-acid change (asparagine 17226 retained).
Molecular consequence: synonymous variant.
Genome position (GRCh38, 1-based): chr2:178,609,745, G>A on the plus strand (C>T on the coding strand, the complement: TTN is on the minus strand). VCF-style: chr2-178609745-G-A. GRCh37 (hg19) VCF-style: chr2-179474472-G-A.
Other names: c.24483C>T, p.Asn8161= (NM_003319.4); c.24858C>T, p.Asn8286= (NM_133432.3); c.25059C>T, p.Asn8353= (NM_133437.4); c.46755C>T, p.Asn15585= (NM_001256850.1); c.43974C>T, p.Asn14658= (NM_133378.4).
Identifiers: ClinVar variation 166002 (VCV000166002.69), dbSNP rs372635204, ClinGen allele CA178803.
Genomic context (GRCh38, chr2:178,609,745, plus strand): 5'-AATGGGATCTACAGCTTTGGTTGGAGGAGTAGCCCGAGAAGGTTCACTAATACCCGCGGC[G>A]TTCTCTGCTCGCACACGGAATTGGTACTCTTTCCCCTCTTCAAGTCCTTTTGCTGTATAG-3'
Protein context (NP_001254479.2, residues 17216-17236): KEYQFRVRAE[Asn17226=]AAGISEPSRA